The following is an entry in ClinVar:

ClinVar aggregate classification (germline): Conflicting classifications of pathogenicity. Review status: criteria provided, conflicting classifications (1 of 4 stars). 4 submissions from 4 submitters: Pathogenic (2); Likely pathogenic (1); Uncertain significance (1). Last evaluated 2025-09-04.

Conditions:
Inborn genetic diseases. Identifiers: MedGen C0950123, MeSH D030342.
Charcot-Marie-Tooth disease type 4. Also called: Charcot-Marie-Tooth disease, type IV; Charcot-Marie-Tooth, Type 4. Identifiers: Orphanet 64749, MedGen C4082197, MONDO:0018995.

Allele frequency attached by ClinVar (database versions not stated): gnomAD exomes below 0.00001; gnomAD 0.00001; TOPMed 0.00001.
gnomAD v4.1: 16 of 1,613,992 alleles (0.00099%); highest among the groups gnomAD compares: Non-Finnish European, 0.0014%; no homozygotes.

Submissions (4):

Athena Diagnostics
Classification: Likely pathogenic. Last evaluated: 2025-09-04. Review status: criteria provided, single submitter. Criteria: Athena Diagnostics Criteria. Collection method: clinical testing. Allele origin: unknown.
Comment: This variant is expected to result in the loss of a functional protein. The frequency of this variant in the general population is consistent with pathogenicity.

Labcorp Genetics (formerly Invitae), Labcorp
Classification: Pathogenic for Charcot-Marie-Tooth disease type 4. Last evaluated: 2025-08-29. Review status: criteria provided, single submitter. Criteria: Invitae Variant Classification Sherloc (09022015). Collection method: clinical testing. Allele origin: germline.
Comment: This sequence change creates a premature translational stop signal (p.Gln6*) in the NDRG1 gene. It is expected to result in an absent or disrupted protein product. Loss-of-function variants in NDRG1 are known to be pathogenic (PMID: 12872253, 23996628). This variant is present in population databases (no rsID available, gnomAD 0.0009%). This variant has not been reported in the literature in individuals affected with NDRG1-related conditions. ClinVar contains an entry for this variant (Variation ID: 1075949). Algorithms developed to predict the effect of sequence changes on RNA splicing suggest that this variant may disrupt the consensus splice site. For these reasons, this variant has been classified as Pathogenic.

Mayo Clinic Laboratories, Mayo Clinic
Classification: Uncertain significance. Last evaluated: 2025-07-23. Review status: criteria provided, single submitter. Criteria: ACMG Guidelines, 2015. Collection method: clinical testing. Allele origin: germline. Observed: 1 variant allele.
Comment: PM2_supporting, PVS1_moderate

Ambry Genetics
Classification: Pathogenic for Inborn genetic diseases. Last evaluated: 2019-09-12. Review status: criteria provided, single submitter. Criteria: Ambry Variant Classification Scheme 2023. Collection method: clinical testing. Allele origin: germline.
Comment: The p.Q6* variant (also known as c.16C>T), located in coding exon 1 of the NDRG1 gene, results from a C to T substitution at nucleotide position 16. This changes the amino acid from a glutamine to a stop codon within coding exon 1. This alteration is expected to result in loss of function by premature protein truncation or nonsense-mediated mRNA decay. As such, this alteration is interpreted as a disease-causing mutation.

Literature cited by the submitters: PubMed 26392352 (cited by Athena Diagnostics and Mayo Clinic Laboratories, Mayo Clinic); PubMed 29641532 (cited by Athena Diagnostics); PubMed 12872253 (cited by Labcorp Genetics (formerly Invitae), Labcorp); PubMed 23996628 (cited by Labcorp Genetics (formerly Invitae), Labcorp).

NM_006096.4(NDRG1):c.16C>T (p.Gln6Ter)

Gene: NDRG1 (N-myc downstream regulated 1; minus strand). Cytogenetic location: 8q24.22.
Variant type: single nucleotide variant.
Coding change: c.16C>T on transcript NM_006096.4 (MANE Select); coding-DNA position 16, C replaced by T.
Protein change: p.Gln6Ter; replaces glutamine 6 with a stop codon.
Molecular consequence: nonsense. On other transcripts: 5 prime UTR variant (1), intron variant (2).
Genome position (GRCh38, 1-based): chr8:133,284,296, G>A on the plus strand (C>T on the coding strand, the complement: NDRG1 is on the minus strand). VCF-style: chr8-133284296-G-A. GRCh37 (hg19) VCF-style: chr8-134296539-G-A.
Other names: p.Gln6*; c.16C>T, p.Gln6Ter (NM_001135242.2, NM_001374844.1, NM_001374845.1 and 1 more transcripts); c.-122C>T (NM_001258433.2); c.-100+12838C>T (NM_001258432.2); c.-135-4029C>T (NM_001374847.1); short protein forms Q6*.
Identifiers: ClinVar variation 1075949 (VCV001075949.10), dbSNP rs1048918488, ClinGen allele CA186360412.